The following is an entry in ClinVar:

NM_006361.6(HOXB13):c.101C>T (p.Thr34Ile)

Gene: HOXB13 (homeobox B13; minus strand). Cytogenetic location: 17q21.32.
Variant type: single nucleotide variant.
Coding change: c.101C>T on transcript NM_006361.6 (MANE Select); coding-DNA position 101, C replaced by T.
Protein change: p.Thr34Ile; replaces threonine 34 with isoleucine.
Molecular consequence: missense variant.
Genome position (GRCh38, 1-based): chr17:48,728,493, G>A on the plus strand (C>T on the coding strand, the complement: HOXB13 is on the minus strand). VCF-style: chr17-48728493-G-A. GRCh37 (hg19) VCF-style: chr17-46805855-G-A.
Other names: short protein forms T34I.
Identifiers: ClinVar variation 690522 (VCV000690522.7), dbSNP rs1597935112, ClinGen allele CA400109350.

ClinVar aggregate classification (germline): Conflicting classifications of pathogenicity. Review status: criteria provided, conflicting classifications (1 of 4 stars). 4 submissions from 4 submitters: Uncertain significance (2); Likely benign (1). 1 of the submissions does not count toward it. Last evaluated 2026-08-21.

Conditions:
Prostate cancer, hereditary, 1 (HPC1). Identifiers: Orphanet 1331, MedGen C4722327, MONDO:0011098, OMIM 601518.
Hereditary cancer-predisposing syndrome. Also called: Tumor predisposition; Hereditary Cancer Syndrome; Neoplastic Syndromes, Hereditary; Hereditary neoplastic syndrome. Identifiers: Orphanet 140162, MedGen C0027672, MeSH D009386, MONDO:0015356.

Submissions (4):

Ambry Genetics
Classification: Likely benign for Hereditary cancer-predisposing syndrome. Last evaluated: 2026-08-21. Review status: criteria provided, single submitter. Criteria: Ambry Variant Classification Scheme 2023. Collection method: clinical testing. Allele origin: germline.

Labcorp Genetics (formerly Invitae), Labcorp
Classification: Uncertain significance. Last evaluated: 2025-12-15. Review status: criteria provided, single submitter. Criteria: Invitae Variant Classification Sherloc (09022015). Collection method: clinical testing. Allele origin: germline.
Comment: This sequence change replaces threonine, which is neutral and polar, with isoleucine, which is neutral and non-polar, at codon 34 of the HOXB13 protein (p.Thr34Ile). This variant is not present in population databases (gnomAD no frequency). This variant has not been reported in the literature in individuals affected with HOXB13-related conditions. ClinVar contains an entry for this variant (Variation ID: 690522). An algorithm developed to predict the effect of missense changes on protein structure and function (PolyPhen-2) suggests that this variant is likely to be tolerated. In summary, the available evidence is currently insufficient to determine the role of this variant in disease. Therefore, it has been classified as a Variant of Uncertain Significance.

GeneDx
Classification: Uncertain significance. Last evaluated: 2023-02-10. Review status: criteria provided, single submitter. Criteria: GeneDx Variant Classification Process June 2021. Collection method: clinical testing. Allele origin: germline. Affected: yes.
Comment: Not observed at significant frequency in large population cohorts (gnomAD); In silico analysis supports that this missense variant does not alter protein structure/function; Has not been previously published as pathogenic or benign to our knowledge

Laboratory of Virology, Microbiology,  Quality and Medical Biotechnologies, Faculty of Sciences and Techniques - Mohammedia, Hassan II University of Casablanca
Classification: Uncertain significance for Prostate cancer, hereditary, 1. Review status: no assertion criteria provided. Collection method: clinical testing. Allele origin: somatic. Affected: yes. Not counted in ClinVar's aggregate classification.